The following is an entry in ClinVar:

ClinVar aggregate classification (germline): Uncertain significance (1 of 4 stars; one submission).

Conditions:
TAF1-related disorder. Also called: TAF1-related condition.

Allele frequency attached by ClinVar (database versions not stated): TOPMed below 0.00001; gnomAD exomes 0.00002.
gnomAD v4.1: 20 of 1,211,816 alleles (0.0017%); highest among the groups gnomAD compares: Non-Finnish European, 0.0022%; no homozygotes.

Submission:

PreventionGenetics, part of Exact Sciences
Classification: Uncertain significance for TAF1-related condition. Last evaluated: 2022-12-21. Review status: criteria provided, single submitter. Criteria: ACMG Guidelines, 2015. Collection method: clinical testing. Allele origin: germline.
Comment: The TAF1 c.533-1G>A variant is predicted to disrupt the AG splice acceptor site and interfere with normal splicing. To our knowledge, this variant has not been reported in the literature or in a large population database, indicating this variant is rare. At this time, the clinical significance of this variant is uncertain due to the absence of conclusive functional and genetic evidence.

NM_004606.5(TAF1):c.535G>A (p.Glu179Lys)

Gene: TAF1 (TATA-box binding protein associated factor 1; plus strand). Cytogenetic location: Xq13.1.
Variant type: single nucleotide variant.
Coding change: c.535G>A on transcript NM_004606.5 (MANE Select); coding-DNA position 535, G replaced by A.
Protein change: p.Glu179Lys; replaces glutamic acid 179 with lysine.
Molecular consequence: missense variant. On other transcripts: non-coding transcript variant (9), splice acceptor variant (1).
Genome position (GRCh38, 1-based): chrX:71,377,012, G>A. VCF-style: chrX-71377012-G-A. GRCh37 (hg19) VCF-style: chrX-70596862-G-A.
Other names: c.535G>A, p.Glu179Lys (NM_001286074.2); c.473-1G>A (NM_138923.4); short protein forms E179K.
Identifiers: ClinVar variation 2631929 (VCV002631929.1), dbSNP rs2033526220, ClinGen allele CA413505953.
Genomic context (GRCh38, chrX:71,377,012, plus strand): 5'-TCTGAAAATGGAGAAGGCATCATCTTGCCCTCCATCATTGCCCCTTCCTCTTTGGCCTCA[G>A]AGAAAGTGGACTTCAGTAGTTCCTCTGACTCAGAATCTGAGATGGGACCTCAGGAAGCAA-3'
Protein context (NP_004597.3, residues 169-189): SIIAPSSLAS[Glu179Lys]KVDFSSSSDS